The following is an entry in ClinVar:

ClinVar aggregate classification (germline): Likely pathogenic. Review status: criteria provided, multiple submitters, no conflicts (2 of 4 stars). 2 submissions from 2 submitters: Likely pathogenic (2). Last evaluated 2024-12-10.

Conditions:
Fanconi anemia complementation group O. Also called: RAD51C-Related Fanconi Anemia. Identifiers: Orphanet 84, MedGen C3150653, MONDO:0013248, OMIM 613390.
Breast-ovarian cancer, familial, susceptibility to, 3. Also called: RAD51C-Related Breast/Ovarian Cancer. Identifiers: Orphanet 145, MedGen C3150659, MONDO:0013253, OMIM 613399.

Submissions (2):

Labcorp Genetics (formerly Invitae), Labcorp
Classification: Likely pathogenic for Fanconi anemia complementation group O. Last evaluated: 2024-12-10. Review status: criteria provided, single submitter. Criteria: Invitae Variant Classification Sherloc (09022015). Collection method: clinical testing. Allele origin: germline.
Comment: This sequence change creates a premature translational stop signal (p.Ser304Glyfs*45) in the RAD51C gene. While this is not anticipated to result in nonsense mediated decay, it is expected to disrupt the last 73 amino acid(s) of the RAD51C protein. This variant is not present in population databases (gnomAD no frequency). This variant has not been reported in the literature in individuals affected with RAD51C-related conditions. ClinVar contains an entry for this variant (Variation ID: 3148699). Algorithms developed to predict the effect of sequence changes on RNA splicing suggest that this variant may disrupt the consensus splice site. This variant disrupts the nuclear localization signal (NLS) of the RAD51C protein, which is important for proper localization and function of the RAD51C protein (PMID:12966089). While functional studies have not been performed to directly test the effect of this variant on RAD51C protein function, this suggests that disruption of this region of the protein is causative of disease. In summary, the currently available evidence indicates that the variant is pathogenic, but additional data are needed to prove that conclusively. Therefore, this variant has been classified as Likely Pathogenic.

Myriad Genetics, Inc.
Classification: Likely pathogenic for Breast-ovarian cancer, familial, susceptibility to, 3. Last evaluated: 2024-02-13. Review status: criteria provided, single submitter. Criteria: Myriad Autosomal Dominant, Autosomal Recessive and X-Linked Classification Criteria (2023). Collection method: clinical testing. Allele origin: unknown.
Comment: This variant is considered likely pathogenic. This variant creates a frameshift predicted to result in premature protein truncation.

Literature cited by the submitters: PubMed 12966089 (cited by Labcorp Genetics (formerly Invitae), Labcorp).

NM_058216.3(RAD51C):c.905_908dup (p.Ser304fs)

Gene: RAD51C (RAD51 paralog C; plus strand). Cytogenetic location: 17q22.
Variant type: Duplication.
Coding change: c.905_908dup on transcript NM_058216.3 (MANE Select); coding-DNA positions 905 to 908, 4 bases duplicated (GGGA; older notation c.905_908dupGGGA).
Protein change: p.Ser304fs; shifts the reading frame from serine 304.
Molecular consequence: frameshift variant. On other transcripts: non-coding transcript variant (1).
Genome position (GRCh38, 1-based): chr17:58,724,040-58,724,043, GGGA duplicated. VCF-style (leftmost placement, unchanged base first): chr17-58724039-G-GGGGA. GRCh37 (hg19) VCF-style: chr17-56801400-G-GGGGA.
Other names: c.*333_*336dup (NM_058217.1); short protein forms S304fs.
Identifiers: ClinVar variation 3148699 (VCV003148699.3), dbSNP rs2509343956, ClinGen allele CA2825002571.
Genomic context (GRCh38, chr17:58,724,039, plus strand): 5'-CTGAGAAATGTATAACCAAGTCAGTAAGGCCATATACAGTTATTATGTTTTTTACTCTCA[G>GGGGA]GGGAAAGTTGGGGACATGCTGCTACAATACGGCTAATCTTTCATTGGGACCGAAAGCAAA-3'